The following is an entry in ClinVar:

ClinVar aggregate classification (germline): Uncertain significance (1 of 4 stars; one submission).

Conditions:
Inborn genetic diseases. Identifiers: MedGen C0950123, MeSH D030342.

Submission:

Ambry Genetics
Classification: Uncertain significance for Inborn genetic diseases. Last evaluated: 2025-07-15. Review status: criteria provided, single submitter. Criteria: Ambry Variant Classification Scheme 2023. Collection method: clinical testing. Allele origin: germline.
Comment: The p.E809G variant (also known as c.2426A>G), located in coding exon 1 of the SAMD9L gene, results from an A to G substitution at nucleotide position 2426. The glutamic acid at codon 809 is replaced by glycine, an amino acid with similar properties. This amino acid position is conserved. In addition, the in silico prediction for this alteration is inconclusive. Based on the available evidence, the clinical significance of this variant remains unclear.

NM_152703.5(SAMD9L):c.2426A>G (p.Glu809Gly)

Gene: SAMD9L (sterile alpha motif domain containing 9 like; minus strand). Cytogenetic location: 7q21.2.
Variant type: single nucleotide variant.
Coding change: c.2426A>G on transcript NM_152703.5 (MANE Select); coding-DNA position 2426, A replaced by G.
Protein change: p.Glu809Gly; replaces glutamic acid 809 with glycine.
Molecular consequence: missense variant.
Genome position (GRCh38, 1-based): chr7:93,133,546, T>C on the plus strand (A>G on the coding strand, the complement: SAMD9L is on the minus strand). VCF-style: chr7-93133546-T-C. GRCh37 (hg19) VCF-style: chr7-92762859-T-C.
Other names: c.2426A>G, p.Glu809Gly (NM_001303496.3, NM_001303497.3, NM_001303498.3 and 5 more transcripts); short protein forms E809G.
Identifiers: ClinVar variation 4159336 (VCV004159336.1).